The following is an entry in ClinVar:

ClinVar aggregate classification (germline): Likely pathogenic. Review status: criteria provided, single submitter (1 of 4 stars). 2 submissions from 2 submitters: Likely pathogenic (1). 1 of the submissions does not count toward it. Last evaluated 2024-10-31.

Submissions (2):

GeneDx
Classification: Likely pathogenic. Last evaluated: 2024-10-31. Review status: criteria provided, single submitter. Criteria: GeneDx Variant Classification Process June 2021. Collection method: clinical testing. Allele origin: germline. Affected: yes.
Comment: Published functional studies demonstrate abnormal localization, reduced protein expression, and an increased degradation rate (PMID: 21878505); Identified in patients with BEST1-related ophthalmic disorders in published literature (PMID: 28147405, 32531858); Not observed at significant frequency in large population cohorts (gnomAD); In silico analysis indicates that this missense variant does not alter protein structure/function; This variant is associated with the following publications: (PMID: 10854112, 29668979, 32531858, 28147405, 21878505)

Retina International
No classification provided. Review status: no classification provided. Collection method: not provided. Allele origin: not provided. Not counted in ClinVar's aggregate classification.

NM_004183.4(BEST1):c.670C>A (p.Leu224Met)

Gene: BEST1 (bestrophin 1; plus strand). Cytogenetic location: 11q12.3.
Variant type: single nucleotide variant.
Coding change: c.670C>A on transcript NM_004183.4 (MANE Select); coding-DNA position 670, C replaced by A.
Protein change: p.Leu224Met; replaces leucine 224 with methionine.
Molecular consequence: missense variant. On other transcripts: non-coding transcript variant (1).
Genome position (GRCh38, 1-based): chr11:61,957,420, C>A. VCF-style: chr11-61957420-C-A. GRCh37 (hg19) VCF-style: chr11-61724892-C-A.
Other names: c.490C>A, p.Leu164Met (NM_001139443.3, NM_001300786.2, NM_001300787.2); c.352C>A, p.Leu118Met (NM_001363591.3); c.670C>A, p.Leu224Met (NM_001363592.2); c.-506C>A (NM_001363593.3); short protein forms L224M, L118M, L164M.
Identifiers: ClinVar variation 99740 (VCV000099740.2), dbSNP rs281865242, ClinGen allele CA227802.